The following is an entry in ClinVar:

NM_005476.7(GNE):c.1708C>G (p.Leu570Val)

Gene: GNE (glucosamine (UDP-N-acetyl)-2-epimerase/N-acetylmannosamine kinase; minus strand). Cytogenetic location: 9p13.3.
Variant type: single nucleotide variant.
Coding change: c.1708C>G on transcript NM_005476.7 (MANE Select); coding-DNA position 1708, C replaced by G.
Protein change: p.Leu570Val; replaces leucine 570 with valine.
Molecular consequence: missense variant.
Genome position (GRCh38, 1-based): chr9:36,219,946, G>C on the plus strand (C>G on the coding strand, the complement: GNE is on the minus strand). VCF-style: chr9-36219946-G-C. GRCh37 (hg19) VCF-style: chr9-36219943-G-C.
Other names: c.1801C>G, p.Leu601Val (NM_001128227.3); c.1486C>G, p.Leu496Val (NM_001190383.3); c.1378C>G, p.Leu460Val (NM_001190384.3); c.1531C>G, p.Leu511Val (NM_001190388.2, NM_001374798.1); c.1555C>G, p.Leu519Val (NM_001374797.1); short protein forms L519V, L460V, L496V, L601V, L511V, L570V.
Identifiers: ClinVar variation 2929167 (VCV002929167.3), dbSNP rs746919372, ClinGen allele CA5056435.
Genomic context (GRCh38, chr9:36,219,946, plus strand): 5'-ATGCTTCAATGCACCCATGGCTTCCACAGGAACAATCAGGCCCATCCAGAGACACAACAA[G>C]GTGGCCCAGTTCTGCAGCACAGAAGGAGCTTCCGTGGATCAATTCATGCTGATGGATAAT-3'
Protein context (NP_005467.1, residues 560-580): SSFCAAELGH[Leu570Val]VVSLDGPDCS

ClinVar aggregate classification (germline): Uncertain significance (1 of 4 stars; one submission).

Conditions:
Sialuria. Also called: SIALURIA, FRENCH TYPE; Sialic Acid Storage Disease. Identifiers: Orphanet 3166, MedGen C0342853, MONDO:0010028, OMIM 269921.
GNE myopathy (NM). Also called: NONAKA DISTAL MYOPATHY; INCLUSION BODY MYOPATHY, HEREDITARY, AUTOSOMAL RECESSIVE; INCLUSION BODY MYOPATHY 2, AUTOSOMAL RECESSIVE; MYOPATHY, DISTAL, WITH OR WITHOUT RIMMED VACUOLES; IBM 2; Inclusion body myopathy autosomal recessive. Identifiers: Orphanet 602, MedGen C1853926, MONDO:0011603, OMIM 605820.

Allele frequency attached by ClinVar (database versions not stated): gnomAD exomes below 0.00001; ExAC 0.00001; TOPMed 0.00003; gnomAD 0.00004.
gnomAD v4.1: 9 of 1,613,980 alleles (0.00056%); highest among the groups gnomAD compares: African/African-American, 0.011%; no homozygotes.

Submission:

Labcorp Genetics (formerly Invitae), Labcorp
Classification: Uncertain significance for Sialuria; GNE myopathy. Last evaluated: 2025-03-24. Review status: criteria provided, single submitter. Criteria: Invitae Variant Classification Sherloc (09022015). Collection method: clinical testing. Allele origin: germline.
Comment: This sequence change replaces leucine, which is neutral and non-polar, with valine, which is neutral and non-polar, at codon 601 of the GNE protein (p.Leu601Val). This variant is present in population databases (rs746919372, gnomAD 0.007%). This variant has not been reported in the literature in individuals affected with GNE-related conditions. ClinVar contains an entry for this variant (Variation ID: 2929167). Invitae Evidence Modeling of protein sequence and biophysical properties (such as structural, functional, and spatial information, amino acid conservation, physicochemical variation, residue mobility, and thermodynamic stability) has been performed for this missense variant. However, the output from this modeling did not meet the statistical confidence thresholds required to predict the impact of this variant on GNE protein function. In summary, the available evidence is currently insufficient to determine the role of this variant in disease. Therefore, it has been classified as a Variant of Uncertain Significance.